The following is an entry in ClinVar:

ClinVar aggregate classification (germline): Likely benign (1 of 4 stars; one submission).

Allele frequency attached by ClinVar (database versions not stated): 1000 Genomes Project 30x 0.00016; 1000 Genomes Project 0.00020.
gnomAD v4.1: 110 of 1,614,062 alleles (0.0068%); highest among the groups gnomAD compares: East Asian, 0.08%; no homozygotes.

Submission:

CeGaT Center for Human Genetics Tuebingen
Classification: Likely benign. Last evaluated: 2022-09-01. Review status: criteria provided, single submitter. Criteria: CeGaT Center For Human Genetics Tuebingen Variant Classification Criteria Version 2. Collection method: clinical testing. Allele origin: germline. Affected: yes. Observed: 1 variant allele.
Comment: NLRP8: BP4, BP7

NM_001433706.1(NLRP8):c.2631C>T (p.Asn877=)

Gene: NLRP8 (NLR family pyrin domain containing 8; plus strand). Cytogenetic location: 19q13.43.
Variant type: single nucleotide variant.
Coding change: c.2631C>T on transcript NM_001433706.1 (MANE Select); coding-DNA position 2631, C replaced by T.
Protein change: p.Asn877=; no amino-acid change (asparagine 877 retained).
Molecular consequence: synonymous variant.
Genome position (GRCh38, 1-based): chr19:55,973,748, C>T. VCF-style: chr19-55973748-C-T. GRCh37 (hg19) VCF-style: chr19-56485114-C-T.
Other names: c.2574C>T, p.Asn858= (NM_001317000.1).
Identifiers: ClinVar variation 2650547 (VCV002650547.24), dbSNP rs182237860, ClinGen allele CA9684840.